The following is an entry in ClinVar:

ClinVar aggregate classification (germline): Pathogenic/Likely pathogenic. Review status: criteria provided, multiple submitters, no conflicts (2 of 4 stars). 5 submissions from 5 submitters: Pathogenic (4); Likely pathogenic (1). Last evaluated 2025-07-09.

Conditions:
RP1-related disorder. Also called: RP1-related condition.
RP1-related recessive retinopathy. Identifiers: MedGen CN322605, MONDO:0800399.

Submissions (5):

GeneDx
Classification: Likely pathogenic. Last evaluated: 2025-07-09. Review status: criteria provided, single submitter. Criteria: GeneDx Variant Classification Process June 2021. Collection method: clinical testing. Allele origin: germline. Affected: yes.
Comment: Observed with another RP1 variant in individuals with retinal dystrophy in the literature, but it is not known whether the variants occurred on the same (in cis) or on different (in trans) chromosomes (PMID: 25692139, 36284670); Frameshift variant predicted to result in abnormal protein length as the last 1481 amino acid(s) are replaced with 21 different amino acid(s), and other similar variants have been reported in HGMD; Not observed at significant frequency in large population cohorts (gnomAD); This variant is associated with the following publications: (PMID: 36284670, 25692139, 30897647)

CeGaT Center for Human Genetics Tuebingen
Classification: Pathogenic. Last evaluated: 2025-05-01. Review status: criteria provided, single submitter. Criteria: CeGaT Center For Human Genetics Tuebingen Variant Classification Criteria Version 2. Collection method: clinical testing. Allele origin: germline. Affected: yes. Observed: 1 variant allele.
Comment: RP1: PM3:Strong, PVS1:Strong, PM2

Blueprint Genetics
Classification: Pathogenic for RP1-related disorders. Last evaluated: 2024-02-20. Review status: criteria provided, single submitter. Criteria: ACMG Guidelines, 2015. Collection method: clinical testing. Allele origin: germline. Affected: yes. Observed: 5 variant alleles.

Labcorp Genetics (formerly Invitae), Labcorp
Classification: Pathogenic. Last evaluated: 2022-03-09. Review status: criteria provided, single submitter. Criteria: Invitae Variant Classification Sherloc (09022015). Collection method: clinical testing. Allele origin: germline.
Comment: For these reasons, this variant has been classified as Pathogenic. This variant disrupts the C-terminus of the RP1 protein. Many variants that disrupt this region have been reported in individuals with either autosomal dominant or autosomal recessive retinitis pigmentosa (PMID: 11527933, 19933189, 29425069, 30027431). Therefore, variants that disrupt this region are expected to be disease-causing. This premature translational stop signal has been observed in individual(s) with clinical features of retinitis pigmentosa (PMID: 25692139, 30897647). This variant is present in population databases (no rsID available, gnomAD 0.008%). This sequence change creates a premature translational stop signal (p.Ser676Ilefs*22) in the RP1 gene. While this is not anticipated to result in nonsense mediated decay, it is expected to disrupt the last 1481 amino acid(s) of the RP1 protein.

Department of Pathology and Laboratory Medicine, Sinai Health System
Classification: Pathogenic for RP1-related recessive retinopathy. Last evaluated: 2020-07-10. Review status: criteria provided, single submitter. Criteria: ACMG Guidelines, 2015. Collection method: research. Allele origin: germline.

Literature cited by the submitters: PubMed 11527933 (cited by Labcorp Genetics (formerly Invitae), Labcorp); PubMed 19933189 (cited by Labcorp Genetics (formerly Invitae), Labcorp); PubMed 29425069 (cited by Labcorp Genetics (formerly Invitae), Labcorp); PubMed 30027431 (cited by Labcorp Genetics (formerly Invitae), Labcorp); PubMed 25692139 (cited by Labcorp Genetics (formerly Invitae), Labcorp); PubMed 30897647 (cited by Labcorp Genetics (formerly Invitae), Labcorp).

NM_006269.2(RP1):c.2025dup (p.Ser676fs)

Gene: RP1 (RP1 axonemal microtubule associated; plus strand). Cytogenetic location: 8q12.1.
Variant type: Duplication.
Coding change: c.2025dup on transcript NM_006269.2 (MANE Select); coding-DNA position 2025, one base duplicated (A; older notation c.2025dupA).
Protein change: p.Ser676fs; shifts the reading frame from serine 676.
Molecular consequence: frameshift variant. On other transcripts: intron variant (1).
Genome position (GRCh38, 1-based): chr8:54,625,907, A duplicated; the last of 6 consecutive A bases (chr8:54,625,902-54,625,907); duplicating any one gives the same sequence. VCF-style (leftmost placement, unchanged base first): chr8-54625901-G-GA. GRCh37 (hg19) VCF-style: chr8-55538461-G-GA.
Other names: c.787+3619dup (NM_001375654.1); c.2020dupA (NM_006269.2); short protein forms S676fs.
Identifiers: ClinVar variation 1459711 (VCV001459711.22), dbSNP rs1365669334, ClinGen allele CA582205357.